The following is an entry in ClinVar:

ClinVar aggregate classification (germline): Uncertain significance. Review status: criteria provided, multiple submitters, no conflicts (2 of 4 stars). 5 submissions from 5 submitters: Uncertain significance (5). Last evaluated 2025-01-22.

Conditions:
Cardiovascular phenotype. Identifiers: MedGen CN230736.
Catecholaminergic polymorphic ventricular tachycardia 2. Also called: CASQ2-Related Catecholaminergic Polymorphic Ventricular Tachycardia; VENTRICULAR TACHYCARDIA, STRESS-INDUCED POLYMORPHIC 2. Identifiers: Orphanet 3286, MedGen C2677794, MONDO:0012762, OMIM 611938.
Catecholaminergic polymorphic ventricular tachycardia 1. Also called: RYR2-Related Catecholaminergic Polymorphic Ventricular Tachycardia; VENTRICULAR TACHYCARDIA, STRESS-INDUCED POLYMORPHIC 1; VENTRICULAR TACHYCARDIA, CATECHOLAMINERGIC POLYMORPHIC, 1, WITH OR WITHOUT ATRIAL DYSFUNCTION AND/OR DILATED CARDIOMYOPATHY. Identifiers: Orphanet 3286, MedGen C1631597, MONDO:0011484, OMIM 604772.

Allele frequency attached by ClinVar (database versions not stated): gnomAD 0.00002; gnomAD exomes 0.00002; ExAC 0.00003; TOPMed 0.00003.
gnomAD v4.1: 21 of 1,613,744 alleles (0.0013%); highest among the groups gnomAD compares: South Asian, 0.0033%; no homozygotes.

Submissions (5):

Labcorp Genetics (formerly Invitae), Labcorp
Classification: Uncertain significance for Catecholaminergic polymorphic ventricular tachycardia 1. Last evaluated: 2025-01-22. Review status: criteria provided, single submitter. Criteria: Invitae Variant Classification Sherloc (09022015). Collection method: clinical testing. Allele origin: germline.
Comment: This sequence change replaces arginine, which is basic and polar, with histidine, which is basic and polar, at codon 160 of the CASQ2 protein (p.Arg160His). This variant is present in population databases (rs372283956, gnomAD 0.006%). This variant has not been reported in the literature in individuals affected with CASQ2-related conditions. ClinVar contains an entry for this variant (Variation ID: 162817). Invitae Evidence Modeling of protein sequence and biophysical properties (such as structural, functional, and spatial information, amino acid conservation, physicochemical variation, residue mobility, and thermodynamic stability) indicates that this missense variant is not expected to disrupt CASQ2 protein function with a negative predictive value of 80%. In summary, the available evidence is currently insufficient to determine the role of this variant in disease. Therefore, it has been classified as a Variant of Uncertain Significance.

Genome-Nilou Lab
Classification: Uncertain significance for Catecholaminergic polymorphic ventricular tachycardia 2. Last evaluated: 2023-04-11. Review status: criteria provided, single submitter. Criteria: ACMG Guidelines, 2015. Collection method: clinical testing. Allele origin: germline. Affected: no.

Ambry Genetics
Classification: Uncertain significance for Cardiovascular phenotype. Last evaluated: 2020-03-18. Review status: criteria provided, single submitter. Criteria: Ambry Variant Classification Scheme 2023. Collection method: clinical testing. Allele origin: germline.
Comment: The p.R160H variant (also known as c.479G>A), located in coding exon 4 of the CASQ2 gene, results from a G to A substitution at nucleotide position 479. The arginine at codon 160 is replaced by histidine, an amino acid with highly similar properties. This variant has been detected in the heterozygous state in an exome sequencing cohort, and in the homozygous state in a child with immune deficiency but without noted cardiovascular findings (Landstrom AP et al. Circ Arrhythm Electrophysiol, 2017 Apr;10:; Burns SO et al. J. Allergy Clin. Immunol., 2014 Jul;134:215-8). This amino acid position is well conserved in available vertebrate species; however, histidine is the reference amino acid in other vertebrate species. In addition, this alteration is predicted to be tolerated by in silico analysis. Since supporting evidence is limited at this time, the clinical significance of this alteration remains unclear.

GeneDx
Classification: Uncertain significance. Last evaluated: 2016-10-04. Review status: criteria provided, single submitter. Criteria: GeneDx Variant Classification (06012015). Collection method: clinical testing. Allele origin: germline. Affected: yes.
Comment: A variant of uncertain significance has been identified in the CASQ2 gene. The R160H variant has not been published in association with CPVT, however, it has been reported as a variant of uncertain significance by another clinical laboratory in ClinVar (SCV000197206.3; Landrum et al., 2016). The R160H variant was not observed in approximately 6,500 individuals of European and African American ancestry in the NHLBI Exome Sequencing Project, indicating it is not a common benign variant in these populations. Additionally, in silico analysis suggests this variant is probably damaging to the protein structure/function. While this substitution occurs at a position that is conserved across most species, Histidine is the wild type in the lizard. Finally, the R160H variant is a conservative amino acid substitution, which is not likely to impact secondary protein structure as these residues share similar properties.Therefore, based on the currently available information, it is unclear whether this variant is pathogenic or rare benign.

Laboratory for Molecular Medicine, Mass General Brigham Personalized Medicine
Classification: Uncertain significance. Last evaluated: 2013-08-11. Review status: criteria provided, single submitter. Criteria: LMM Criteria. Collection method: clinical testing. Allele origin: germline. Observed: 1 variant allele.
Comment: The Arg160His variant in CASQ2 has not been reported in individuals with cardiom yopathy or in large population studies. Computational analyses (biochemical amin o acid properties, conservation, AlignGVGD, PolyPhen2, and SIFT) do not provide strong support for or against an impact to the protein. Additional information i s needed to fully assess the clinical significance of this variant.

Literature cited by the submitters: PubMed 24679846 (cited by Ambry Genetics); PubMed 28404607 (cited by Ambry Genetics).

NM_001232.4(CASQ2):c.479G>A (p.Arg160His)

Gene: CASQ2 (calsequestrin 2; minus strand). Cytogenetic location: 1p13.1.
Variant type: single nucleotide variant.
Coding change: c.479G>A on transcript NM_001232.4 (MANE Select); coding-DNA position 479, G replaced by A.
Protein change: p.Arg160His; replaces arginine 160 with histidine.
Molecular consequence: missense variant.
Genome position (GRCh38, 1-based): chr1:115,738,277, C>T on the plus strand (G>A on the coding strand, the complement: CASQ2 is on the minus strand). VCF-style: chr1-115738277-C-T. GRCh37 (hg19) VCF-style: chr1-116280898-C-T.
Other names: short protein forms R160H.
Identifiers: ClinVar variation 162817 (VCV000162817.10), dbSNP rs372283956, ClinGen allele CA175368.